The following is an entry in ClinVar:

NM_002860.4(ALDH18A1):c.169C>A (p.His57Asn)

Gene: ALDH18A1 (aldehyde dehydrogenase 18 family member A1; minus strand). Cytogenetic location: 10q24.1.
Variant type: single nucleotide variant.
Coding change: c.169C>A on transcript NM_002860.4 (MANE Select); coding-DNA position 169, C replaced by A.
Protein change: p.His57Asn; replaces histidine 57 with asparagine.
Molecular consequence: missense variant. On other transcripts: intron variant (4).
Genome position (GRCh38, 1-based): chr10:95,643,126, G>T on the plus strand (C>A on the coding strand, the complement: ALDH18A1 is on the minus strand). VCF-style: chr10-95643126-G-T. GRCh37 (hg19) VCF-style: chr10-97402883-G-T.
Other names: c.169C>A, p.His57Asn (NM_001017423.2, NM_001323413.2, NM_001323414.2 and 2 more transcripts); c.-78-9477C>A (NM_001323419.2); c.-30-5690C>A (NM_001323412.2, NM_001323418.2, NM_001323416.2); short protein forms H57N.
Identifiers: ClinVar variation 660899 (VCV000660899.19), dbSNP rs200858692, ClinGen allele CA5620669.
Genomic context (GRCh38, chr10:95,643,126, plus strand): 5'-GCTTCACCACGATTCTCTTGGCATGCTTCAGCTCACTGCGGTGGGCGAAGGACTTGCCAT[G>T]TGTACGACTGAGGGGTACAGTGATAAACGGGATGTTGCTCCAAGAACGAACATGTCTGAT-3'
Protein context (NP_002851.2, residues 47-67): PFITVPLSRT[His57Asn]GKSFAHRSEL

ClinVar aggregate classification (germline): Uncertain significance. Review status: criteria provided, multiple submitters, no conflicts (2 of 4 stars). 3 submissions from 3 submitters: Uncertain significance (3). Last evaluated 2025-12-15.

Conditions:
Autosomal recessive complex spastic paraplegia type 9B. Also called: Spastic paraplegia 9b, autosomal recessive. Identifiers: Orphanet 447760, MedGen C5568980, MONDO:0014702, OMIM 616586.
ALDH18A1-related de Barsy syndrome. Also called: DE BARSY SYNDROME A; Cutis laxa, autosomal recessive IIIA. Identifiers: Orphanet 2962, Orphanet 35664, MedGen C5234852, MONDO:0009053, OMIM 219150.
Cutis laxa, autosomal dominant 3 (ADCL3). Identifiers: Orphanet 90348, MedGen C4225268, MONDO:0014706, OMIM 616603.
Hereditary spastic paraplegia 9A. Also called: CATARACTS WITH MOTOR NEURONOPATHY, SHORT STATURE, AND SKELETAL ABNORMALITIES; SPASTIC PARAPARESIS WITH AMYOTROPHY, CATARACTS, AND GASTROESOPHAGEAL REFLUX; SPASTIC PARAPLEGIA 9A, AUTOSOMAL DOMINANT. Identifiers: Orphanet 100990, Orphanet 447753, MedGen C5568978, MONDO:0011006, OMIM 601162.
de Barsy syndrome. Also called: Cutis laxa-corneal clouding-oligophrenia syndrome. Identifiers: Orphanet 2962, MedGen C0268354, MONDO:0017569.
Autosomal dominant spastic paraplegia type 9. Identifiers: MedGen C1832669, MONDO:0015091.

Allele frequency attached by ClinVar (database versions not stated): TOPMed 0.00002; gnomAD 0.00003 and 0.00004; gnomAD exomes 0.00003 and 0.00007; ExAC 0.00004; ESP Exome Variant Server 0.00015.
gnomAD v4.1: 107 of 1,614,122 alleles (0.0066%); highest among the groups gnomAD compares: Non-Finnish European, 0.0087%; no homozygotes.

Submissions (3):

Labcorp Genetics (formerly Invitae), Labcorp
Classification: Uncertain significance for Autosomal dominant spastic paraplegia type 9; de Barsy syndrome; Cutis laxa, autosomal dominant 3. Last evaluated: 2025-12-15. Review status: criteria provided, single submitter. Criteria: Invitae Variant Classification Sherloc (09022015). Collection method: clinical testing. Allele origin: germline.
Comment: This sequence change replaces histidine, which is basic and polar, with asparagine, which is neutral and polar, at codon 57 of the ALDH18A1 protein (p.His57Asn). This variant is present in population databases (rs200858692, gnomAD 0.007%). This variant has not been reported in the literature in individuals affected with ALDH18A1-related conditions. ClinVar contains an entry for this variant (Variation ID: 660899). An algorithm developed to predict the effect of missense changes on protein structure and function (PolyPhen-2) suggests that this variant is likely to be tolerated. In summary, the available evidence is currently insufficient to determine the role of this variant in disease. Therefore, it has been classified as a Variant of Uncertain Significance.

Women's Health and Genetics/Laboratory Corporation of America, LabCorp
Classification: Uncertain significance. Last evaluated: 2025-06-17. Review status: criteria provided, single submitter. Criteria: LabCorp Variant Classification Summary - May 2015. Collection method: clinical testing. Allele origin: germline.
Comment: Variant summary: ALDH18A1 c.169C>A (p.His57Asn) results in a conservative amino acid change in the encoded protein sequence. Algorithms developed to predict the effect of missense changes on protein structure and function are either unavailable or do not agree on the potential impact of this missense change. The variant allele was found at a frequency of 3.2e-05 in 251234 control chromosomes. The available data on variant occurrences in the general population are insufficient to allow any conclusion about variant significance. To our knowledge, no occurrence of c.169C>A in individuals affected with ALDH18A1-Related Disorder and no experimental evidence demonstrating its impact on protein function have been reported. ClinVar contains an entry for this variant (Variation ID: 660899). Based on the evidence outlined above, the variant was classified as uncertain significance.

GeneDx
Classification: Uncertain significance. Last evaluated: 2023-12-28. Review status: criteria provided, single submitter. Criteria: GeneDx Variant Classification Process June 2021. Collection method: clinical testing. Allele origin: germline. Affected: yes.
Comment: Has not been previously published as pathogenic or benign to our knowledge; In silico analysis supports that this missense variant does not alter protein structure/function